The following is an entry in ClinVar:

NM_000434.4(NEU1):c.173T>C (p.Val58Ala)

Gene: NEU1 (neuraminidase 1; minus strand). Cytogenetic location: 6p21.33.
Variant type: single nucleotide variant.
Coding change: c.173T>C on transcript NM_000434.4 (MANE Select); coding-DNA position 173, T replaced by C.
Protein change: p.Val58Ala; replaces valine 58 with alanine.
Molecular consequence: missense variant.
Genome position (GRCh38, 1-based): chr6:31,862,178, A>G on the plus strand (T>C on the coding strand, the complement: NEU1 is on the minus strand). VCF-style: chr6-31862178-A-G. GRCh37 (hg19) VCF-style: chr6-31829955-A-G.
Other names: short protein forms V58A.
Identifiers: ClinVar variation 1924741 (VCV001924741.2), dbSNP rs1032779116, ClinGen allele CA136927745.

ClinVar aggregate classification (germline): Uncertain significance (1 of 4 stars; one submission).

Allele frequency attached by ClinVar (database versions not stated): gnomAD exomes 0.00001.
gnomAD v4.1: 3 of 1,612,852 alleles (0.00019%); highest among the groups gnomAD compares: Admixed American, 0.0033%; no homozygotes.

Submission:

Labcorp Genetics (formerly Invitae), Labcorp
Classification: Uncertain significance. Last evaluated: 2022-04-23. Review status: criteria provided, single submitter. Criteria: Invitae Variant Classification Sherloc (09022015). Collection method: clinical testing. Allele origin: germline.
Comment: This sequence change replaces valine, which is neutral and non-polar, with alanine, which is neutral and non-polar, at codon 58 of the NEU1 protein (p.Val58Ala). This variant is present in population databases (no rsID available, gnomAD 0.006%). This variant has not been reported in the literature in individuals affected with NEU1-related conditions. Algorithms developed to predict the effect of missense changes on protein structure and function are either unavailable or do not agree on the potential impact of this missense change (SIFT: "Deleterious"; PolyPhen-2: "Benign"; Align-GVGD: "Class C0"). In summary, the available evidence is currently insufficient to determine the role of this variant in disease. Therefore, it has been classified as a Variant of Uncertain Significance.